The following is an entry in ClinVar:

ClinVar aggregate classification (germline): Likely benign. Review status: criteria provided, multiple submitters, no conflicts (2 of 4 stars). 4 submissions from 4 submitters: Likely benign (4). Last evaluated 2024-12-03.

Conditions:
Developmental and epileptic encephalopathy, 69. Also called: EPILEPTIC ENCEPHALOPATHY, EARLY INFANTILE, 69. Identifiers: MedGen C4748988, MONDO:0032657, OMIM 618285.
Inborn genetic diseases. Identifiers: MedGen C0950123, MeSH D030342.

Allele frequency attached by ClinVar (database versions not stated): gnomAD 0.00002; TOPMed 0.00003.
gnomAD v4.1: 17 of 1,526,416 alleles (0.0011%); highest among the groups gnomAD compares: East Asian, 0.036%; no homozygotes.

Submissions (4):

Ambry Genetics
Classification: Likely benign for Inborn genetic diseases. Last evaluated: 2024-12-03. Review status: criteria provided, single submitter. Criteria: Ambry Variant Classification Scheme 2023. Collection method: clinical testing. Allele origin: germline.

Labcorp Genetics (formerly Invitae), Labcorp
Classification: Likely benign. Last evaluated: 2024-06-03. Review status: criteria provided, single submitter. Criteria: Invitae Variant Classification Sherloc (09022015). Collection method: clinical testing. Allele origin: germline.

CeGaT Center for Human Genetics Tuebingen
Classification: Likely benign. Last evaluated: 2023-09-01. Review status: criteria provided, single submitter. Criteria: CeGaT Center For Human Genetics Tuebingen Variant Classification Criteria Version 2. Collection method: clinical testing. Allele origin: germline. Affected: yes. Observed: 1 variant allele.
Comment: CACNA1E: BS1

Genome-Nilou Lab
Classification: Likely benign for Developmental and epileptic encephalopathy, 69. Last evaluated: 2023-04-11. Review status: criteria provided, single submitter. Criteria: ACMG Guidelines, 2015. Collection method: clinical testing. Allele origin: germline. Affected: no.

NM_001205293.3(CACNA1E):c.6922G>C (p.Glu2308Gln)

Gene: CACNA1E (calcium voltage-gated channel subunit alpha1 E; plus strand). Cytogenetic location: 1q25.3.
Variant type: single nucleotide variant.
Coding change: c.6922G>C on transcript NM_001205293.3 (MANE Select); coding-DNA position 6922, G replaced by C.
Protein change: p.Glu2308Gln; replaces glutamic acid 2308 with glutamine.
Molecular consequence: missense variant.
Genome position (GRCh38, 1-based): chr1:181,798,814, G>C. VCF-style: chr1-181798814-G-C. GRCh37 (hg19) VCF-style: chr1-181767950-G-C.
Other names: c.6922G>C (NM_001205293.1); c.6793G>C, p.Glu2265Gln (NM_000721.4); c.6736G>C, p.Glu2246Gln (NM_001205294.2); short protein forms E2265Q, E2308Q, E2246Q.
Identifiers: ClinVar variation 1916024 (VCV001916024.31), dbSNP rs769144197, ClinGen allele CA1276526.